The following is an entry in ClinVar:

ClinVar aggregate classification (germline): Uncertain significance (1 of 4 stars; one submission).

Submission:

Labcorp Genetics (formerly Invitae), Labcorp
Classification: Uncertain significance. Last evaluated: 2024-04-02. Review status: criteria provided, single submitter. Criteria: Invitae Variant Classification Sherloc (09022015). Collection method: clinical testing. Allele origin: germline.
Comment: This sequence change replaces glutamine, which is neutral and polar, with histidine, which is basic and polar, at codon 4194 of the MACF1 protein (p.Gln4194His). This variant is not present in population databases (gnomAD no frequency). This variant has not been reported in the literature in individuals affected with MACF1-related conditions. An algorithm developed to predict the effect of missense changes on protein structure and function (PolyPhen-2) suggests that this variant is likely to be disruptive. In summary, the available evidence is currently insufficient to determine the role of this variant in disease. Therefore, it has been classified as a Variant of Uncertain Significance.

NM_001394062.1(MACF1):c.18759G>C (p.Gln6253His)

Gene: MACF1 (microtubule actin crosslinking factor 1; plus strand). Cytogenetic location: 1p34.3.
Variant type: single nucleotide variant.
Coding change: c.18759G>C on transcript NM_001394062.1 (MANE Select); coding-DNA position 18759, G replaced by C.
Protein change: p.Gln6253His; replaces glutamine 6253 with histidine.
Molecular consequence: missense variant.
Genome position (GRCh38, 1-based): chr1:39,442,038, G>C. VCF-style: chr1-39442038-G-C. GRCh37 (hg19) VCF-style: chr1-39907710-G-C.
Other names: c.6837G>C, p.Gln2279His (NM_001397473.1); c.12582G>C, p.Gln4194His (NM_012090.5); short protein forms Q2279H, Q4194H, Q6253H.
Identifiers: ClinVar variation 3648534 (VCV003648534.2).